The following is an entry in ClinVar:

ClinVar aggregate classification (germline): Uncertain significance (1 of 4 stars; one submission).

Allele frequency attached by ClinVar (database versions not stated): TOPMed 0.00001; gnomAD 0.00001; ESP Exome Variant Server 0.00008.
gnomAD v4.1: 31 of 1,613,844 alleles (0.0019%); highest among the groups gnomAD compares: African/African-American, 0.0067%; no homozygotes.

Submission:

Labcorp Genetics (formerly Invitae), Labcorp
Classification: Uncertain significance. Last evaluated: 2025-12-22. Review status: criteria provided, single submitter. Criteria: Invitae Variant Classification Sherloc (09022015). Collection method: clinical testing. Allele origin: germline.
Comment: This sequence change falls in intron 4 of the ACAN gene. It does not directly change the encoded amino acid sequence of the ACAN protein. It affects a nucleotide within the consensus splice site. This variant is present in population databases (rs368372715, gnomAD 0.01%). This variant has not been reported in the literature in individuals affected with ACAN-related conditions. ClinVar contains an entry for this variant (Variation ID: 2961262). Variants that disrupt the consensus splice site are a relatively common cause of aberrant splicing (PMID: 17576681, 9536098). Algorithms developed to predict the effect of sequence changes on RNA splicing suggest that this variant is not likely to affect RNA splicing. In summary, the available evidence is currently insufficient to determine the role of this variant in disease. Therefore, it has been classified as a Variant of Uncertain Significance.

Literature cited by the submitters: PubMed 17576681; PubMed 9536098.

NM_001369268.1(ACAN):c.630-3C>T

Gene: ACAN (aggrecan; plus strand). Cytogenetic location: 15q26.1.
Variant type: single nucleotide variant.
Coding change: c.630-3C>T on transcript NM_001369268.1 (MANE Select); 3 bases into the intron before coding-DNA position 630, C replaced by T.
Molecular consequence: intron variant.
Genome position (GRCh38, 1-based): chr15:88,841,737, C>T. VCF-style: chr15-88841737-C-T. GRCh37 (hg19) VCF-style: chr15-89384968-C-T.
Other names: c.630-3C>T (NM_013227.4, NM_001411097.1, NM_001411096.1 and 1 more transcripts).
Identifiers: ClinVar variation 2961262 (VCV002961262.3), dbSNP rs368372715, ClinGen allele CA7719308.
Genomic context (GRCh38, chr15:88,841,737, plus strand): 5'-GCAGAGGCCATGGGCTTCCCTTTGTCCCCTGAGTGTCACACCTCCATTTCGGGTTCCTGG[C>T]AGATACCCCATCCACACTCCCCGGGAAGGCTGCTATGGAGACAAGGATGAGTTTCCTGGT-3'